The following is an entry in ClinVar:

ClinVar aggregate classification (germline): Conflicting classifications of pathogenicity. Review status: criteria provided, conflicting classifications (1 of 4 stars). 7 submissions from 7 submitters: Uncertain significance (1); Benign (1); Likely benign (4). 1 of the submissions does not count toward it. Last evaluated 2026-06-01.

Conditions:
KMT2D-related disorder. Also called: KMT2D-Related Disorders.
Kabuki syndrome. Also called: NIIKAWA-KUROKI SYNDROME; Kabuki make-up syndrome. Identifiers: Orphanet 2322, MedGen C0796004, MONDO:0016512.

Allele frequency attached by ClinVar (database versions not stated): gnomAD exomes 0.00006 and 0.00014; ESP Exome Variant Server 0.00057; gnomAD 0.00073 and 0.00068; TOPMed 0.00076; 1000 Genomes Project 0.00100; ExAC 0.00016; 1000 Genomes Project 30x 0.00094.
gnomAD v4.1: 208 of 1,613,670 alleles (0.013%); highest among the groups gnomAD compares: African/African-American, 0.25%; no homozygotes.

Submissions (7):

CeGaT Center for Human Genetics Tuebingen
Classification: Likely benign. Last evaluated: 2026-06-01. Review status: criteria provided, single submitter. Criteria: CeGaT Center For Human Genetics Tuebingen Variant Classification Criteria Version 2. Collection method: clinical testing. Allele origin: germline. Affected: yes. Observed: 1 variant allele.
Comment: KMT2D: BP4, BS1

Labcorp Genetics (formerly Invitae), Labcorp
Classification: Likely benign for Kabuki syndrome. Last evaluated: 2025-09-27. Review status: criteria provided, single submitter. Criteria: Invitae Variant Classification Sherloc (09022015). Collection method: clinical testing. Allele origin: germline.

Blueprint Genetics
Classification: Likely benign. Last evaluated: 2024-06-11. Review status: criteria provided, single submitter. Criteria: ACMG Guidelines, 2015. Collection method: clinical testing. Allele origin: germline.

Genetic Services Laboratory, University of Chicago
Classification: Likely benign. Last evaluated: 2021-07-07. Review status: criteria provided, single submitter. Criteria: ACMG Guidelines, 2015. Collection method: clinical testing. Allele origin: germline. Affected: no.

GeneDx
Classification: Benign. Last evaluated: 2019-05-21. Review status: criteria provided, single submitter. Criteria: GeneDx Variant Classification Process June 2021. Collection method: clinical testing. Allele origin: germline. Affected: yes.

Eurofins Ntd Llc (ga)
Classification: Uncertain significance. Last evaluated: 2013-01-03. Review status: criteria provided, single submitter. Criteria: EGL Classification Definitions 2015. Collection method: clinical testing. Allele origin: germline. Observed: 1 variant allele, 1 heterozygote.

PreventionGenetics, part of Exact Sciences
Classification: Likely benign for KMT2D-related condition. Last evaluated: 2020-01-20. Review status: no assertion criteria provided. Collection method: clinical testing. Allele origin: germline. Not counted in ClinVar's aggregate classification.
Comment: This variant is classified as likely benign based on ACMG/AMP sequence variant interpretation guidelines (Richards et al. 2015 PMID: 25741868, with internal and published modifications).

NM_003482.4(KMT2D):c.1187C>G (p.Pro396Arg)

Gene: KMT2D (lysine methyltransferase 2D; minus strand). Cytogenetic location: 12q13.12.
Variant type: single nucleotide variant.
Coding change: c.1187C>G on transcript NM_003482.4 (MANE Select); coding-DNA position 1187, C replaced by G.
Protein change: p.Pro396Arg; replaces proline 396 with arginine.
Molecular consequence: missense variant.
Genome position (GRCh38, 1-based): chr12:49,052,635, G>C on the plus strand (C>G on the coding strand, the complement: KMT2D is on the minus strand). VCF-style: chr12-49052635-G-C. GRCh37 (hg19) VCF-style: chr12-49446418-G-C.
Other names: short protein forms P396R.
Identifiers: ClinVar variation 94153 (VCV000094153.26), dbSNP rs377452989, ClinGen allele CA221999.